The following is an entry in ClinVar:

NM_032119.4(ADGRV1):c.3370G>A (p.Glu1124Lys)

Gene: ADGRV1 (adhesion G protein-coupled receptor V1; plus strand). Cytogenetic location: 5q14.3.
Variant type: single nucleotide variant.
Coding change: c.3370G>A on transcript NM_032119.4 (MANE Select); coding-DNA position 3370, G replaced by A.
Protein change: p.Glu1124Lys; replaces glutamic acid 1124 with lysine.
Molecular consequence: missense variant. On other transcripts: non-coding transcript variant (1).
Genome position (GRCh38, 1-based): chr5:90,651,684, G>A. VCF-style: chr5-90651684-G-A. GRCh37 (hg19) VCF-style: chr5-89947501-G-A.
Other names: short protein forms E1124K.
Identifiers: ClinVar variation 228721 (VCV000228721.4), dbSNP rs876657825, ClinGen allele CA10576663.
Genomic context (GRCh38, chr5:90,651,684, plus strand): 5'-TATGGAGTAGCTACAGTAATAATTGAAGCTAATGATGACCCAAATGGCATTTTTTCTCTG[G>A]AGCCCATAGACAAAGCAGTGGAAGAAGGAAAGACTAATGCATTTTGGTAAGCATATGTAG-3'
Protein context (NP_115495.3, residues 1114-1134): NDDPNGIFSL[Glu1124Lys]PIDKAVEEGK

ClinVar aggregate classification (germline): Uncertain significance (1 of 4 stars; one submission).

Submission:

Laboratory for Molecular Medicine, Mass General Brigham Personalized Medicine
Classification: Uncertain significance. Last evaluated: 2016-01-04. Review status: criteria provided, single submitter. Criteria: LMM Criteria. Collection method: clinical testing. Allele origin: germline. Observed: 1 variant allele.
Comment: The p.Glu1124Lys variant in GPR98 has not been previously reported in individual s with hearing loss or Usher syndrome and was absent from large population studi es. Computational prediction tools and conservation analysis suggest that this v ariant may impact the protein, though this information is not predictive enough to determine pathogenicity. In summary, the clinical significance of the p.Glu11 24Lys variant is uncertain.